The following is an entry in ClinVar:

ClinVar aggregate classification (germline): Pathogenic (1 of 4 stars; one submission).

Submission:

Labcorp Genetics (formerly Invitae), Labcorp
Classification: Pathogenic. Last evaluated: 2023-04-14. Review status: criteria provided, single submitter. Criteria: Invitae Variant Classification Sherloc (09022015). Collection method: clinical testing. Allele origin: unknown.
Comment: This variant has not been reported in the literature in individuals affected with TG-related conditions. For these reasons, this variant has been classified as Pathogenic. This variant is a gross deletion of the genomic region encompassing exon(s) 24 of the TG gene. This deletion is out-of-frame, and is expected to create a premature termination codon and result in an absent or disrupted protein product. Loss-of-function variants in TG are known to be pathogenic (PMID: 19837936, 23164529).

Literature cited by the submitters: PubMed 19837936; PubMed 23164529.

NC_000008.10:g.(?_133945786)_(133945941_?)del

Gene: TG (thyroglobulin; plus strand). Cytogenetic location: 8q24.22.
Variant type: Deletion.
Identifiers: ClinVar variation 3245564 (VCV003245564.1).